The following is an entry in ClinVar:

NM_001127222.2(CACNA1A):c.632G>A (p.Ser211Asn)

Gene: CACNA1A (calcium voltage-gated channel subunit alpha1 A; minus strand). Cytogenetic location: 19p13.13.
Variant type: single nucleotide variant.
Coding change: c.632G>A on transcript NM_001127222.2 (MANE Select); coding-DNA position 632, G replaced by A.
Protein change: p.Ser211Asn; replaces serine 211 with asparagine.
Molecular consequence: missense variant.
Genome position (GRCh38, 1-based): chr19:13,365,469, C>T on the plus strand (G>A on the coding strand, the complement: CACNA1A is on the minus strand). VCF-style: chr19-13365469-C-T. GRCh37 (hg19) VCF-style: chr19-13476283-C-T.
Other names: c.632G>A, p.Ser211Asn (NM_000068.4, NM_001127221.2, NM_001174080.2 and 1 more transcripts); short protein forms S211N.
Identifiers: ClinVar variation 426949 (VCV000426949.10), dbSNP rs1085307866, ClinGen allele CA404348702.

ClinVar aggregate classification (germline): Uncertain significance. Review status: criteria provided, multiple submitters, no conflicts (2 of 4 stars). 2 submissions from 2 submitters: Uncertain significance (2). Last evaluated 2025-07-21.

Conditions:
Episodic ataxia type 2 (EA2). Also called: ATAXIA, EPISODIC, WITH NYSTAGMUS; ATAXIA, FAMILIAL PAROXYSMAL; CEREBELLAR ATAXIA, PAROXYSMAL, ACETAZOLAMIDE-RESPONSIVE; CEREBELLOPATHY, HEREDITARY PAROXYSMAL; EPISODIC ATAXIA, NYSTAGMUS-ASSOCIATED; ACETAZOLAMIDE-RESPONSIVE HEREDITARY PAROXYSMAL CEREBELLAR ATAXIA. Identifiers: Orphanet 97, MedGen C1720416, MONDO:0007163, OMIM 108500.
Developmental and epileptic encephalopathy, 42 (DEE42A). Also called: Epileptic encephalopathy, early infantile, 42; DEVELOPMENTAL AND EPILEPTIC ENCEPHALOPATHY 42A; EPILEPTIC ENCEPHALOPATHY, EARLY INFANTILE, 42A. Identifiers: MedGen C4310716, MONDO:0014917, OMIM 617106.

Allele frequency attached by ClinVar (database versions not stated): gnomAD exomes 0.00001; gnomAD 0.00002; TOPMed 0.00002.

Submissions (2):

Labcorp Genetics (formerly Invitae), Labcorp
Classification: Uncertain significance for Developmental and epileptic encephalopathy, 42; Episodic ataxia type 2. Last evaluated: 2025-07-21. Review status: criteria provided, single submitter. Criteria: Invitae Variant Classification Sherloc (09022015). Collection method: clinical testing. Allele origin: germline.
Comment: This sequence change replaces serine, which is neutral and polar, with asparagine, which is neutral and polar, at codon 211 of the CACNA1A protein (p.Ser211Asn). This variant is present in population databases (no rsID available, gnomAD 0.006%). This variant has not been reported in the literature in individuals affected with CACNA1A-related conditions. ClinVar contains an entry for this variant (Variation ID: 426949). An algorithm developed to predict the effect of missense changes on protein structure and function (PolyPhen-2) suggests that this variant is likely to be disruptive. In summary, the available evidence is currently insufficient to determine the role of this variant in disease. Therefore, it has been classified as a Variant of Uncertain Significance.

GeneDx
Classification: Uncertain significance. Last evaluated: 2023-07-06. Review status: criteria provided, single submitter. Criteria: GeneDx Variant Classification Process June 2021. Collection method: clinical testing. Allele origin: germline. Affected: yes.
Comment: In silico analysis supports that this missense variant has a deleterious effect on protein structure/function; Has not been previously published as pathogenic or benign to our knowledge